The following is an entry in ClinVar:

NM_032977.4(CASP10):c.1415+2T>C

Gene: CASP10 (caspase 10; plus strand). Cytogenetic location: 2q33.1.
Variant type: single nucleotide variant.
Coding change: c.1415+2T>C on transcript NM_032977.4 (MANE Select); the canonical splice donor site of the intron after coding-DNA position 1415, T replaced by C.
Molecular consequence: splice donor variant.
Genome position (GRCh38, 1-based): chr2:201,209,564, T>C. VCF-style: chr2-201209564-T-C. GRCh37 (hg19) VCF-style: chr2-202074287-T-C.
Other names: c.1415+2T>C (NM_032974.5); c.1286+2T>C (NM_001206542.2, NM_001230.5); c.*501+2T>C (NM_032976.4); c.1214+2T>C (NM_001206524.2).
Identifiers: ClinVar variation 1378862 (VCV001378862.9), dbSNP rs574742344, ClinGen allele CA2053239.

ClinVar aggregate classification (germline): Uncertain significance. Review status: criteria provided, multiple submitters, no conflicts (2 of 4 stars). 3 submissions from 3 submitters: Uncertain significance (3). Last evaluated 2026-01-15.

Conditions:
Autoimmune lymphoproliferative syndrome type 2A (ALPS2A). Also called: CASP10-Related Autoimmune Lymphoproliferative Syndrome; Autoimmune lymphoproliferative syndrome type 2; AUTOIMMUNE LYMPHOPROLIFERATIVE SYNDROME, TYPE IIA. Identifiers: Orphanet 3261, MedGen C1858968, MONDO:0011383, OMIM 603909.
Lymphoma, non-Hodgkin, familial. Identifiers: MedGen C4721532, MONDO:0011508, OMIM 605027.
Gastric cancer. Also called: Malignant tumor of stomach; Stomach cancer. Identifiers: MedGen C0024623, MeSH D013274, MONDO:0001056, OMIM 613659, HP:0012126.

Allele frequency attached by ClinVar (database versions not stated): gnomAD 0.00001 and 0.00003; gnomAD exomes 0.00001 and 0.00003; TOPMed 0.00001; ExAC 0.00003; 1000 Genomes Project 30x 0.00031; 1000 Genomes Project 0.00040.
gnomAD v4.1: 9 of 1,600,168 alleles (0.00056%); highest among the groups gnomAD compares: East Asian, 0.02%; no homozygotes.

Submissions (4):

Labcorp Genetics (formerly Invitae), Labcorp
Classification: Uncertain significance for Autoimmune lymphoproliferative syndrome type 2A. Last evaluated: 2026-01-15. Review status: criteria provided, single submitter. Criteria: Invitae Variant Classification Sherloc (09022015). Collection method: clinical testing. Allele origin: germline.
Comment: This sequence change falls in intron 9 of the CASP10 gene. It does not directly change the encoded amino acid sequence of the CASP10 protein. It affects a nucleotide within the consensus splice site. This variant is present in population databases (rs574742344, gnomAD 0.04%). This variant has not been reported in the literature in individuals affected with CASP10-related conditions. ClinVar contains an entry for this variant (Variation ID: 1378862). Variants that disrupt the consensus splice site are a relatively common cause of aberrant splicing (PMID: 17576681, 9536098). Algorithms developed to predict the effect of sequence changes on RNA splicing suggest that this variant may disrupt the consensus splice site. In summary, the available evidence is currently insufficient to determine the role of this variant in disease. Therefore, it has been classified as a Variant of Uncertain Significance.

Fulgent Genetics
Classification: Uncertain significance for Autoimmune lymphoproliferative syndrome type 2A; Lymphoma, non-Hodgkin, familial; Gastric cancer. Last evaluated: 2023-12-29. Review status: criteria provided, single submitter. Criteria: ACMG Guidelines, 2015. Collection method: clinical testing. Allele origin: germline.

Blueprint Genetics
Classification: Uncertain significance. Last evaluated: 2023-05-08. Review status: criteria provided, single submitter. Criteria: ACMG Guidelines, 2015. Collection method: clinical testing. Allele origin: germline.

Dr. Peter K. Rogan Lab, Western University
No classification provided (evidence only). Condition: Malignant tumor of esophagus. Review status: no classification provided. Collection method: in vitro. Allele origin: not applicable. Functional consequence: skipped exon, retained intron. Not counted in ClinVar's aggregate classification.

Literature cited by the submitters: PubMed 17576681 (cited by Labcorp Genetics (formerly Invitae), Labcorp); PubMed 9536098 (cited by Labcorp Genetics (formerly Invitae), Labcorp).